The following is an entry in ClinVar:

ClinVar aggregate classification (germline): Likely benign. Review status: criteria provided, multiple submitters, no conflicts (2 of 4 stars). 3 submissions from 3 submitters: Likely benign (3). Last evaluated 2025-03-28.

Allele frequency attached by ClinVar (database versions not stated): ExAC 0.00014; ESP Exome Variant Server 0.00016; TOPMed 0.00017; gnomAD 0.00021; gnomAD exomes 0.00025.
gnomAD v4.1: 391 of 1,613,868 alleles (0.024%); highest among the groups gnomAD compares: Non-Finnish European, 0.032%; no homozygotes.

Submissions (3):

Labcorp Genetics (formerly Invitae), Labcorp
Classification: Likely benign. Last evaluated: 2025-03-28. Review status: criteria provided, single submitter. Criteria: Invitae Variant Classification Sherloc (09022015). Collection method: clinical testing. Allele origin: germline.

CeGaT Center for Human Genetics Tuebingen
Classification: Likely benign. Last evaluated: 2025-02-01. Review status: criteria provided, single submitter. Criteria: CeGaT Center For Human Genetics Tuebingen Variant Classification Criteria Version 2. Collection method: clinical testing. Allele origin: germline. Affected: yes. Observed: 2 variant alleles.
Comment: CACNA1G: BS2

Blueprint Genetics
Classification: Likely benign. Last evaluated: 2024-11-19. Review status: criteria provided, single submitter. Criteria: ACMG Guidelines, 2015. Collection method: clinical testing. Allele origin: germline.

NM_018896.5(CACNA1G):c.3035G>A (p.Gly1012Asp)

Gene: CACNA1G (calcium voltage-gated channel subunit alpha1 G; plus strand). Cytogenetic location: 17q21.33.
Variant type: single nucleotide variant.
Coding change: c.3035G>A on transcript NM_018896.5 (MANE Select); coding-DNA position 3035, G replaced by A.
Protein change: p.Gly1012Asp; replaces glycine 1012 with aspartic acid.
Molecular consequence: missense variant. On other transcripts: non-coding transcript variant (5).
Genome position (GRCh38, 1-based): chr17:50,596,617, G>A. VCF-style: chr17-50596617-G-A. GRCh37 (hg19) VCF-style: chr17-48673978-G-A.
Other names: c.3035G>A, p.Gly1012Asp (NM_001256333.2, NM_001256334.2, NM_001256359.2 and 16 more transcripts); c.2966G>A, p.Gly989Asp (NM_198376.3, NM_198379.3, NM_001256332.2 and 5 more transcripts); short protein forms G1012D, G989D.
Identifiers: ClinVar variation 2040833 (VCV002040833.29), dbSNP rs201149829, ClinGen allele CA8652604.